The following is an entry in ClinVar:

ClinVar aggregate classification (germline): Uncertain significance (1 of 4 stars; one submission).

gnomAD v4.1: 3 of 1,211,453 alleles (0.00025%); highest among the groups gnomAD compares: Non-Finnish European, 0.00034%; no homozygotes.

Submissions (5):

CeGaT Center for Human Genetics Tuebingen
Classification: Uncertain significance. Last evaluated: 2024-07-01. Review status: criteria provided, single submitter. Criteria: CeGaT Center For Human Genetics Tuebingen Variant Classification Criteria Version 2. Collection method: clinical testing. Allele origin: germline. Affected: yes. Observed: 1 variant allele.
Comment: BCOR: PM2, BP4

Dr. Peter K. Rogan Lab, Western University
No classification provided (evidence only). Condition: Thyroid cancer, nonmedullary, 1. Review status: no classification provided. Collection method: in vitro. Allele origin: not applicable. Functional consequence: retained intron. Not counted in ClinVar's aggregate classification.

Dr. Peter K. Rogan Lab, Western University
No classification provided (evidence only). Condition: Thyroid cancer, nonmedullary, 1. Review status: no classification provided. Collection method: in vitro. Allele origin: not applicable. Functional consequence: retained intron. Not counted in ClinVar's aggregate classification.

Dr. Peter K. Rogan Lab, Western University
No classification provided (evidence only). Condition: Thyroid cancer, nonmedullary, 1. Review status: no classification provided. Collection method: in vitro. Allele origin: not applicable. Functional consequence: skipped exon. Not counted in ClinVar's aggregate classification.

Dr. Peter K. Rogan Lab, Western University
No classification provided (evidence only). Condition: Thyroid cancer, nonmedullary, 1. Review status: no classification provided. Collection method: in vitro. Allele origin: not applicable. Functional consequence: skipped exon. Not counted in ClinVar's aggregate classification.

NM_001123385.2(BCOR):c.2429G>T (p.Arg810Leu)

Gene: BCOR (BCL6 corepressor; minus strand). Cytogenetic location: Xp11.4.
Variant type: single nucleotide variant.
Coding change: c.2429G>T on transcript NM_001123385.2 (MANE Select); coding-DNA position 2429, G replaced by T.
Protein change: p.Arg810Leu; replaces arginine 810 with leucine.
Molecular consequence: missense variant.
Genome position (GRCh38, 1-based): chrX:40,072,917, C>A on the plus strand (G>T on the coding strand, the complement: BCOR is on the minus strand). VCF-style: chrX-40072917-C-A. GRCh37 (hg19) VCF-style: chrX-39932170-C-A.
Other names: NC_000023.10:g.39932170C>A; c.2429G>T, p.Arg810Leu (NM_001123383.2, NM_001123384.2, NM_017745.6); short protein forms R810L.
Identifiers: ClinVar variation 3256983 (VCV003256983.18).